The following is an entry in ClinVar:

NM_000051.4(ATM):c.8955T>C (p.Asn2985=)

Genes: ATM (ATM serine/threonine kinase; plus strand), C11orf65 (chromosome 11 open reading frame 65; minus strand). Cytogenetic location: 11q22.3.
Variant type: single nucleotide variant.
Coding change: c.8955T>C on transcript NM_000051.4 (MANE Select); coding-DNA position 8955, T replaced by C.
Protein change: p.Asn2985=; no amino-acid change (asparagine 2985 retained).
Molecular consequence: synonymous variant. On other transcripts: intron variant (2).
Genome position (GRCh38, 1-based): chr11:108,365,186, T>C. VCF-style: chr11-108365186-T-C. GRCh37 (hg19) VCF-style: chr11-108235913-T-C.
Other names: c.640+20734A>G (NM_001330368.2); c.694+20734A>G (NM_001351110.2); c.8955T>C, p.Asn2985= (NM_001351834.2).
Identifiers: ClinVar variation 414613 (VCV000414613.53), dbSNP rs755561691, ClinGen allele CA6266496.

ClinVar aggregate classification (germline): Benign/Likely benign. Review status: criteria provided, multiple submitters, no conflicts (2 of 4 stars). 4 submissions from 4 submitters: Benign (1); Likely benign (3). Last evaluated 2026-01-21.

Conditions:
Hereditary cancer-predisposing syndrome. Also called: Neoplastic Syndromes, Hereditary; Hereditary Cancer Syndrome; Tumor predisposition; Hereditary neoplastic syndrome. Identifiers: Orphanet 140162, MedGen C0027672, MeSH D009386, MONDO:0015356.
Familial cancer of breast. Also called: Hereditary breast cancer; BREAST CANCER, FAMILIAL; hereditary breast carcinoma. Identifiers: Orphanet 227535, MedGen C0346153, MONDO:0016419, OMIM 114480. Disease mechanism: loss of function.
Ataxia-telangiectasia syndrome (AT). Also called: LOUIS-BAR SYNDROME; Cerebello-oculocutaneous telangiectasia; Immunodeficiency with ataxia telangiectasia; Ataxia-telangiectasia, complementation group D; AT, COMPLEMENTATION GROUP C; Ataxia-telangiectasia, complementation group E. Identifiers: Orphanet 100, MedGen C0004135, MONDO:0008840, OMIM 208900.

Allele frequency attached by ClinVar (database versions not stated): TOPMed 0.00002; ExAC 0.00002; gnomAD exomes 0.00001.

Submissions (4):

Labcorp Genetics (formerly Invitae), Labcorp
Classification: Likely benign for Ataxia-telangiectasia syndrome. Last evaluated: 2026-01-21. Review status: criteria provided, single submitter. Criteria: Invitae Variant Classification Sherloc (09022015). Collection method: clinical testing. Allele origin: germline.

Myriad Genetics, Inc.
Classification: Benign for Familial cancer of breast. Last evaluated: 2024-06-24. Review status: criteria provided, single submitter. Criteria: Myriad Autosomal Dominant, Autosomal Recessive and X-Linked Classification Criteria (2023). Collection method: clinical testing. Allele origin: unknown.
Comment: This variant is considered benign. This variant is a silent/synonymous amino acid change and it is not expected to impact splicing.

Color Diagnostics, LLC DBA Color Health
Classification: Likely benign for Hereditary cancer-predisposing syndrome. Last evaluated: 2023-04-20. Review status: criteria provided, single submitter. Criteria: ACMG Guidelines, 2015. Collection method: clinical testing. Allele origin: germline.

Ambry Genetics
Classification: Likely benign for Hereditary cancer-predisposing syndrome. Last evaluated: 2023-04-13. Review status: criteria provided, single submitter. Criteria: Ambry Variant Classification Scheme 2023. Collection method: clinical testing. Allele origin: germline.